The following is an entry in ClinVar:

ClinVar aggregate classification (germline): Uncertain significance. Review status: criteria provided, multiple submitters, no conflicts (2 of 4 stars). 2 submissions from 2 submitters: Uncertain significance (2). Last evaluated 2025-07-07.

Conditions:
Charcot-Marie-Tooth disease type 4. Also called: Charcot-Marie-Tooth, Type 4; Charcot-Marie-Tooth disease, type IV. Identifiers: Orphanet 64749, MedGen C4082197, MONDO:0018995.
Inborn genetic diseases. Identifiers: MedGen C0950123, MeSH D030342.

Allele frequency attached by ClinVar (database versions not stated): gnomAD exomes below 0.00001 and 0.00001; gnomAD 0.00001; TOPMed 0.00001.
gnomAD v4.1: 6 of 1,607,704 alleles (0.00037%); highest among the groups gnomAD compares: East Asian, 0.013%; no homozygotes.

Submissions (2):

Labcorp Genetics (formerly Invitae), Labcorp
Classification: Uncertain significance for Charcot-Marie-Tooth disease type 4. Last evaluated: 2025-07-07. Review status: criteria provided, single submitter. Criteria: Invitae Variant Classification Sherloc (09022015). Collection method: clinical testing. Allele origin: germline.
Comment: This sequence change replaces proline, which is neutral and non-polar, with leucine, which is neutral and non-polar, at codon 191 of the MTMR2 protein (p.Pro191Leu). This variant is present in population databases (no rsID available, gnomAD 0.02%). This variant has not been reported in the literature in individuals affected with MTMR2-related conditions. ClinVar contains an entry for this variant (Variation ID: 1500577). An algorithm developed to predict the effect of missense changes on protein structure and function (PolyPhen-2) suggests that this variant is likely to be tolerated. In summary, the available evidence is currently insufficient to determine the role of this variant in disease. Therefore, it has been classified as a Variant of Uncertain Significance.

Ambry Genetics
Classification: Uncertain significance for Inborn genetic diseases. Last evaluated: 2019-12-20. Review status: criteria provided, single submitter. Criteria: Ambry Variant Classification Scheme 2023. Collection method: clinical testing. Allele origin: germline.
Comment: The p.P191L variant (also known as c.572C>T), located in coding exon 7 of the MTMR2 gene, results from a C to T substitution at nucleotide position 572. The proline at codon 191 is replaced by leucine, an amino acid with similar properties. This amino acid position is well conserved in available vertebrate species. In addition, the in silico prediction for this alteration is inconclusive. Since supporting evidence is limited at this time, the clinical significance of this alteration remains unclear.

NM_016156.6(MTMR2):c.572C>T (p.Pro191Leu)

Gene: MTMR2 (myotubularin related protein 2; minus strand). Cytogenetic location: 11q21.
Variant type: single nucleotide variant.
Coding change: c.572C>T on transcript NM_016156.6 (MANE Select); coding-DNA position 572, C replaced by T.
Protein change: p.Pro191Leu; replaces proline 191 with leucine.
Molecular consequence: missense variant.
Genome position (GRCh38, 1-based): chr11:95,857,634, G>A on the plus strand (C>T on the coding strand, the complement: MTMR2 is on the minus strand). VCF-style: chr11-95857634-G-A. GRCh37 (hg19) VCF-style: chr11-95590798-G-A.
Other names: c.356C>T, p.Pro119Leu (NM_001243571.2, NM_201278.3, NM_201281.3); short protein forms P191L, P119L.
Identifiers: ClinVar variation 1500577 (VCV001500577.8), dbSNP rs1258314907, ClinGen allele CA382428058.
Genomic context (GRCh38, chr11:95,857,634, plus strand): 5'-GGGTCATATAGCTTCCACCCATTTTCAGGGAATACTTCTTTGTATTCAAAAGCAAAAAGA[G>A]GCTACAAAAAAGTAAACAATGGTAAGAGCTAAAAAAGATATTCACAAAGGTAATGAATCA-3'
Protein context (NP_057240.3, residues 181-201): KYAFPVSNNL[Pro191Leu]LFAFEYKEVF